The following is an entry in ClinVar:

NM_004793.4(LONP1):c.2812C>T (p.His938Tyr)

Gene: LONP1 (lon peptidase 1, mitochondrial; minus strand). Cytogenetic location: 19p13.3.
Variant type: single nucleotide variant.
Coding change: c.2812C>T on transcript NM_004793.4 (MANE Select); coding-DNA position 2812, C replaced by T.
Protein change: p.His938Tyr; replaces histidine 938 with tyrosine.
Molecular consequence: missense variant. On other transcripts: non-coding transcript variant (1).
Genome position (GRCh38, 1-based): chr19:5,692,100, G>A on the plus strand (C>T on the coding strand, the complement: LONP1 is on the minus strand). VCF-style: chr19-5692100-G-A. GRCh37 (hg19) VCF-style: chr19-5692111-G-A.
Other names: p.His938Tyr; c.2620C>T, p.His874Tyr (NM_001276479.2); c.2224C>T, p.His742Tyr (NM_001276480.1); short protein forms H742Y, H874Y, H938Y.
Identifiers: ClinVar variation 2433496 (VCV002433496.5), dbSNP rs766783227, ClinGen allele CA9113948.

ClinVar aggregate classification (germline): Conflicting classifications of pathogenicity. Review status: criteria provided, conflicting classifications (1 of 4 stars). 3 submissions from 3 submitters: Uncertain significance (2); Likely benign (1). Last evaluated 2025-11-17.

Conditions:
CODAS syndrome. Also called: CEREBRAL, OCULAR, DENTAL, AURICULAR, AND SKELETAL ANOMALIES SYNDROME. Identifiers: Orphanet 1458, MedGen C1838180, MONDO:0010879, OMIM 600373.

Allele frequency attached by ClinVar (database versions not stated): TOPMed 0.00002; ExAC 0.00002; gnomAD 0.00002; gnomAD exomes 0.00003.
gnomAD v4.1: 48 of 1,614,178 alleles (0.003%); highest among the groups gnomAD compares: Middle Eastern, 0.017%; no homozygotes.

Submissions (3):

Department of Molecular Genetics, Istishari Arab Hospital
Classification: Uncertain significance for CODAS syndrome. Last evaluated: 2025-11-17. Review status: criteria provided, single submitter. Criteria: ACMG Guidelines, 2015. Collection method: clinical testing. Allele origin: germline. Inheritance: Autosomal recessive inheritance. Affected: yes.
Comment: LONP1, c.2812C>T, p.His938Tyr The LONP1 variant c.2812C>T, p.His938Tyr creates an amino acid change from His to Tyr at position 938. This variant is observed with very low frequency in the gnomAD v4.1.0 dataset (<0.001) and has not been previously described in the literature. It is classified as a variant of uncertain significance (class 3) according to the recommendations of ACMG/AMP/ClinGen SVI guidelines. it was detected in the heterozygous state with another variant (p.Val633Met)

Labcorp Genetics (formerly Invitae), Labcorp
Classification: Likely benign. Last evaluated: 2025-02-17. Review status: criteria provided, single submitter. Criteria: Invitae Variant Classification Sherloc (09022015). Collection method: clinical testing. Allele origin: germline.

Revvity Omics, Revvity
Classification: Uncertain significance for CODAS syndrome. Last evaluated: 2022-03-10. Review status: criteria provided, single submitter. Criteria: ACMG Guidelines, 2015. Collection method: clinical testing. Allele origin: germline.